The following is an entry in ClinVar:

ClinVar aggregate classification (germline): Uncertain significance. Review status: criteria provided, multiple submitters, no conflicts (2 of 4 stars). 2 submissions from 2 submitters: Uncertain significance (2). Last evaluated 2024-04-11.

Conditions:
Cardiovascular phenotype. Identifiers: MedGen CN230736.
Catecholaminergic polymorphic ventricular tachycardia 1. Also called: VENTRICULAR TACHYCARDIA, CATECHOLAMINERGIC POLYMORPHIC, 1, WITH OR WITHOUT ATRIAL DYSFUNCTION AND/OR DILATED CARDIOMYOPATHY; VENTRICULAR TACHYCARDIA, STRESS-INDUCED POLYMORPHIC 1; RYR2-Related Catecholaminergic Polymorphic Ventricular Tachycardia. Identifiers: Orphanet 3286, MedGen C1631597, MONDO:0011484, OMIM 604772.

Allele frequency attached by ClinVar (database versions not stated): gnomAD exomes below 0.00001; TOPMed below 0.00001; ExAC 0.00001; gnomAD 0.00001; ESP Exome Variant Server 0.00009.
gnomAD v4.1: 6 of 1,608,634 alleles (0.00037%); highest among the groups gnomAD compares: Non-Finnish European, 0.00051%; no homozygotes.

Submissions (2):

Ambry Genetics
Classification: Uncertain significance for Cardiovascular phenotype. Last evaluated: 2024-04-11. Review status: criteria provided, single submitter. Criteria: Ambry Variant Classification Scheme 2023. Collection method: clinical testing. Allele origin: germline.
Comment: The p.K527R variant (also known as c.1580A>G), located in coding exon 27 of the TRDN gene, results from an A to G substitution at nucleotide position 1580. The lysine at codon 527 is replaced by arginine, an amino acid with highly similar properties. This amino acid position is conserved. In addition, this alteration is predicted to be tolerated by in silico analysis. Since supporting evidence is limited at this time, the clinical significance of this alteration remains unclear.

Labcorp Genetics (formerly Invitae), Labcorp
Classification: Uncertain significance for Catecholaminergic polymorphic ventricular tachycardia 1. Last evaluated: 2022-04-01. Review status: criteria provided, single submitter. Criteria: Invitae Variant Classification Sherloc (09022015). Collection method: clinical testing. Allele origin: germline.
Comment: In summary, the available evidence is currently insufficient to determine the role of this variant in disease. Therefore, it has been classified as a Variant of Uncertain Significance. Algorithms developed to predict the effect of missense changes on protein structure and function are either unavailable or do not agree on the potential impact of this missense change (SIFT: "Deleterious"; PolyPhen-2: "Probably Damaging"; Align-GVGD: "Class C0"). This variant has not been reported in the literature in individuals affected with TRDN-related conditions. This variant is present in population databases (rs370798082, gnomAD 0.002%). This sequence change replaces lysine, which is basic and polar, with arginine, which is basic and polar, at codon 527 of the TRDN protein (p.Lys527Arg).

NM_006073.4(TRDN):c.1580A>G (p.Lys527Arg)

Gene: TRDN (triadin; minus strand). Cytogenetic location: 6q22.31.
Variant type: single nucleotide variant.
Coding change: c.1580A>G on transcript NM_006073.4 (MANE Select); coding-DNA position 1580, A replaced by G.
Protein change: p.Lys527Arg; replaces lysine 527 with arginine.
Molecular consequence: missense variant.
Genome position (GRCh38, 1-based): chr6:123,274,658, T>C on the plus strand (A>G on the coding strand, the complement: TRDN is on the minus strand). VCF-style: chr6-123274658-T-C. GRCh37 (hg19) VCF-style: chr6-123595803-T-C.
Other names: short protein forms K527R.
Identifiers: ClinVar variation 1775682 (VCV001775682.6), dbSNP rs370798082, ClinGen allele CA3983855.